The following is an entry in ClinVar:

ClinVar aggregate classification (germline): Likely benign (1 of 4 stars; one submission).

Submission:

CeGaT Center for Human Genetics Tuebingen
Classification: Likely benign. Last evaluated: 2022-08-01. Review status: criteria provided, single submitter. Criteria: CeGaT Center For Human Genetics Tuebingen Variant Classification Criteria Version 2. Collection method: clinical testing. Allele origin: germline. Affected: yes. Observed: 1 variant allele.
Comment: OTUD7A: PM2:Supporting, BP4, BP7

NM_001382637.1(OTUD7A):c.2454G>C (p.Pro818=)

Gene: OTUD7A (OTU deubiquitinase 7A; minus strand). Cytogenetic location: 15q13.3.
Variant type: single nucleotide variant.
Coding change: c.2454G>C on transcript NM_001382637.1 (MANE Select); coding-DNA position 2454, G replaced by C.
Protein change: p.Pro818=; no amino-acid change (proline 818 retained).
Molecular consequence: synonymous variant.
Genome position (GRCh38, 1-based): chr15:31,483,642, C>G on the plus strand (G>C on the coding strand, the complement: OTUD7A is on the minus strand). VCF-style: chr15-31483642-C-G. GRCh37 (hg19) VCF-style: chr15-31775845-C-G.
Other names: c.2433G>C, p.Pro811= (NM_130901.3).
Identifiers: ClinVar variation 2645112 (VCV002645112.24), dbSNP rs1014454659, ClinGen allele CA489645580.